The following is an entry in ClinVar:

ClinVar aggregate classification (germline): Uncertain significance (0 of 4 stars; one submission).

Conditions:
DUOX1-related disorder. Also called: DUOX1-related condition.

gnomAD v4.1: 2 of 1,614,156 alleles (0.00012%); highest among the groups gnomAD compares: Non-Finnish European, 0.00017%; no homozygotes.

Submission:

PreventionGenetics, part of Exact Sciences
Classification: Uncertain significance for DUOX1-related condition. Last evaluated: 2024-06-30. Review status: no assertion criteria provided. Collection method: clinical testing. Allele origin: germline.
Comment: The DUOX1 c.4366C>T variant is predicted to result in premature protein termination (p.Gln1456*). To our knowledge, this variant has not been reported in the literature or in gnomAD, indicating this variant is rare. Although we suspect that this variant may be pathogenic, at this time, the clinical significance of this variant is uncertain due to the absence of conclusive functional and genetic evidence.

NM_175940.3(DUOX1):c.4366C>T (p.Gln1456Ter)

Gene: DUOX1 (dual oxidase 1; plus strand). Cytogenetic location: 15q21.1.
Variant type: single nucleotide variant.
Coding change: c.4366C>T on transcript NM_175940.3 (MANE Select); coding-DNA position 4366, C replaced by T.
Protein change: p.Gln1456Ter; replaces glutamine 1456 with a stop codon.
Molecular consequence: nonsense.
Genome position (GRCh38, 1-based): chr15:45,163,649, C>T. VCF-style: chr15-45163649-C-T. GRCh37 (hg19) VCF-style: chr15-45455847-C-T.
Other names: c.4366C>T, p.Gln1456Ter (NM_017434.5); short protein forms Q1456*.
Identifiers: ClinVar variation 3350736 (VCV003350736.1).